The following is an entry in ClinVar:

ClinVar aggregate classification (germline): Pathogenic (1 of 4 stars; one submission).

Conditions:
Primary ciliary dyskinesia 23 (CILD23). Also called: CILIARY DYSKINESIA, PRIMARY, 23, WITH OR WITHOUT SITUS INVERSUS. Identifiers: Orphanet 244, MedGen C3809548, MONDO:0014193, OMIM 615451.

Allele frequency attached by ClinVar (database versions not stated): gnomAD exomes below 0.00001.
gnomAD v4.1: 3 of 1,613,910 alleles (0.00019%); highest among the groups gnomAD compares: Non-Finnish European, 0.00025%; no homozygotes.

Submission:

Labcorp Genetics (formerly Invitae), Labcorp
Classification: Pathogenic for Primary ciliary dyskinesia 23. Last evaluated: 2023-11-13. Review status: criteria provided, single submitter. Criteria: Invitae Variant Classification Sherloc (09022015). Collection method: clinical testing. Allele origin: germline.
Comment: This sequence change creates a premature translational stop signal (p.Arg790*) in the ARMC4 gene. It is expected to result in an absent or disrupted protein product. Loss-of-function variants in ARMC4 are known to be pathogenic (PMID: 23849778). This variant is present in population databases (no rsID available, gnomAD 0.0009%). This variant has not been reported in the literature in individuals affected with ARMC4-related conditions. For these reasons, this variant has been classified as Pathogenic.

Literature cited by the submitters: PubMed 23849778.

NM_018076.5(ODAD2):c.2368C>T (p.Arg790Ter)

Gene: ODAD2 (outer dynein arm docking complex subunit 2; minus strand). Cytogenetic location: 10p12.1.
Variant type: single nucleotide variant.
Coding change: c.2368C>T on transcript NM_018076.5 (MANE Select); coding-DNA position 2368, C replaced by T.
Protein change: p.Arg790Ter; replaces arginine 790 with a stop codon.
Molecular consequence: nonsense.
Genome position (GRCh38, 1-based): chr10:27,935,137, G>A on the plus strand (C>T on the coding strand, the complement: ODAD2 is on the minus strand). VCF-style: chr10-27935137-G-A. GRCh37 (hg19) VCF-style: chr10-28224066-G-A.
Other names: c.2368C>T, p.Arg790Ter (NM_001290020.2); c.943C>T, p.Arg315Ter (NM_001290021.2); c.1444C>T, p.Arg482Ter (NM_001312689.2); short protein forms R790*, R315*, R482*.
Identifiers: ClinVar variation 2801846 (VCV002801846.3), dbSNP rs1229705288, ClinGen allele CA376391465.